The following is an entry in ClinVar:

ClinVar aggregate classification (germline): Uncertain significance (1 of 4 stars; one submission).

Conditions:
Catecholaminergic polymorphic ventricular tachycardia (CVPT). Also called: Catecholamine-induced polymorphic ventricular tachycardia. Identifiers: Orphanet 3286, MedGen C5574922, MONDO:0017990.

Submission:

Labcorp Genetics (formerly Invitae), Labcorp
Classification: Uncertain significance for Catecholaminergic polymorphic ventricular tachycardia. Last evaluated: 2019-05-13. Review status: criteria provided, single submitter. Criteria: Invitae Variant Classification Sherloc (09022015). Collection method: clinical testing. Allele origin: germline.
Comment: This sequence change replaces threonine with serine at codon 2529 of the RYR2 protein (p.Thr2529Ser). The threonine residue is highly conserved and there is a small physicochemical difference between threonine and serine. This variant is not present in population databases (ExAC no frequency). This variant has not been reported in the literature in individuals with RYR2-related conditions. Algorithms developed to predict the effect of missense changes on protein structure and function (SIFT, PolyPhen-2, Align-GVGD) all suggest that this variant is likely to be disruptive, but these predictions have not been confirmed by published functional studies and their clinical significance is uncertain. In summary, the available evidence is currently insufficient to determine the role of this variant in disease. Therefore, it has been classified as a Variant of Uncertain Significance.

NM_001035.3(RYR2):c.7585A>T (p.Thr2529Ser)

Gene: RYR2 (ryanodine receptor 2; plus strand). Cytogenetic location: 1q43.
Variant type: single nucleotide variant.
Coding change: c.7585A>T on transcript NM_001035.3 (MANE Select); coding-DNA position 7585, A replaced by T.
Protein change: p.Thr2529Ser; replaces threonine 2529 with serine.
Molecular consequence: missense variant.
Genome position (GRCh38, 1-based): chr1:237,649,949, A>T. VCF-style: chr1-237649949-A-T. GRCh37 (hg19) VCF-style: chr1-237813249-A-T.
Other names: short protein forms T2529S.
Identifiers: ClinVar variation 949819 (VCV000949819.2), dbSNP rs1682562289, ClinGen allele CA345399129.